The following is an entry in ClinVar:

NM_000051.4(ATM):c.1729A>G (p.Met577Val)

Gene: ATM (ATM serine/threonine kinase; plus strand). Cytogenetic location: 11q22.3.
Variant type: single nucleotide variant.
Coding change: c.1729A>G on transcript NM_000051.4 (MANE Select); coding-DNA position 1729, A replaced by G.
Protein change: p.Met577Val; replaces methionine 577 with valine.
Molecular consequence: missense variant.
Genome position (GRCh38, 1-based): chr11:108,251,958, A>G. VCF-style: chr11-108251958-A-G. GRCh37 (hg19) VCF-style: chr11-108122685-A-G.
Other names: c.1729A>G, p.Met577Val (NM_001351834.2); short protein forms M577V.
Identifiers: ClinVar variation 489512 (VCV000489512.10), dbSNP rs1555071919, ClinGen allele CA382535298.

ClinVar aggregate classification (germline): Uncertain significance. Review status: criteria provided, multiple submitters, no conflicts (2 of 4 stars). 3 submissions from 3 submitters: Uncertain significance (3). Last evaluated 2025-12-15.

Conditions:
Hereditary cancer-predisposing syndrome. Also called: Tumor predisposition; Hereditary Cancer Syndrome; Neoplastic Syndromes, Hereditary; Hereditary neoplastic syndrome. Identifiers: Orphanet 140162, MedGen C0027672, MeSH D009386, MONDO:0015356.

Allele frequency attached by ClinVar (database versions not stated): TOPMed below 0.00001.
gnomAD v4.1: 1 of 1,613,908 alleles (0.000062%); no homozygotes.

Submissions (3):

Ambry Genetics
Classification: Uncertain significance for Hereditary cancer-predisposing syndrome. Last evaluated: 2025-12-15. Review status: criteria provided, single submitter. Criteria: Ambry Variant Classification Scheme 2023. Collection method: clinical testing. Allele origin: germline.
Comment: The p.M577V variant (also known as c.1729A>G), located in coding exon 10 of the ATM gene, results from an A to G substitution at nucleotide position 1729. The methionine at codon 577 is replaced by valine, an amino acid with highly similar properties. This amino acid position is highly conserved in available vertebrate species. In addition, the in silico prediction for this alteration is inconclusive. Since supporting evidence is limited at this time, the clinical significance of this alteration remains unclear.

Quest Diagnostics Nichols Institute San Juan Capistrano
Classification: Uncertain significance. Last evaluated: 2025-03-13. Review status: criteria provided, single submitter. Criteria: Quest Diagnostics criteria. Collection method: clinical testing. Allele origin: unknown.

Color Diagnostics, LLC DBA Color Health
Classification: Uncertain significance for Hereditary cancer-predisposing syndrome. Last evaluated: 2023-12-05. Review status: criteria provided, single submitter. Criteria: ACMG Guidelines, 2015. Collection method: clinical testing. Allele origin: germline.
Comment: This missense variant replaces methionine with valine at codon 577 of the ATM protein. Computational prediction suggests that this variant may not impact protein structure and function (internally defined REVEL score threshold <= 0.5, PMID: 27666373). To our knowledge, functional studies have not been reported for this variant. This variant has not been reported in individuals affected with ATM-related disorders in the literature. This variant has not been identified in the general population by the Genome Aggregation Database (gnomAD). The available evidence is insufficient to determine the role of this variant in disease conclusively. Therefore, this variant is classified as a Variant of Uncertain Significance.